The following is an entry in ClinVar:

ClinVar aggregate classification (germline): Uncertain significance. Review status: criteria provided, multiple submitters, no conflicts (2 of 4 stars). 2 submissions from 2 submitters: Uncertain significance (2). Last evaluated 2024-03-15.

Conditions:
Inborn genetic diseases. Identifiers: MedGen C0950123, MeSH D030342.

Allele frequency attached by ClinVar (database versions not stated): TOPMed below 0.00001; gnomAD exomes 0.00008 and 0.00021; ExAC 0.00025; 1000 Genomes Project 30x 0.00031; 1000 Genomes Project 0.00040.
gnomAD v4.1: 122 of 1,614,114 alleles (0.0076%); highest among the groups gnomAD compares: South Asian, 0.13%; no homozygotes.

Submissions (2):

Ambry Genetics
Classification: Uncertain significance for Inborn genetic diseases. Last evaluated: 2024-03-15. Review status: criteria provided, single submitter. Criteria: Ambry Variant Classification Scheme 2023. Collection method: clinical testing. Allele origin: germline.

Labcorp Genetics (formerly Invitae), Labcorp
Classification: Uncertain significance. Last evaluated: 2021-08-06. Review status: criteria provided, single submitter. Criteria: Invitae Variant Classification Sherloc (09022015). Collection method: clinical testing. Allele origin: germline.
Comment: In summary, the available evidence is currently insufficient to determine the role of this variant in disease. Therefore, it has been classified as a Variant of Uncertain Significance. Algorithms developed to predict the effect of missense changes on protein structure and function (SIFT, PolyPhen-2, Align-GVGD) all suggest that this variant is likely to be tolerated, but these predictions have not been confirmed by published functional studies and their clinical significance is uncertain. This variant has not been reported in the literature in individuals with DNAH9-related conditions. This variant is present in population databases (rs548487073, ExAC 0.2%). This sequence change replaces aspartic acid with asparagine at codon 730 of the DNAH9 protein (p.Asp730Asn). The aspartic acid residue is weakly conserved and there is a small physicochemical difference between aspartic acid and asparagine.

NM_001372.4(DNAH9):c.2188G>A (p.Asp730Asn)

Gene: DNAH9 (dynein axonemal heavy chain 9; plus strand). Cytogenetic location: 17p12.
Variant type: single nucleotide variant.
Coding change: c.2188G>A on transcript NM_001372.4 (MANE Select); coding-DNA position 2188, G replaced by A.
Protein change: p.Asp730Asn; replaces aspartic acid 730 with asparagine.
Molecular consequence: missense variant.
Genome position (GRCh38, 1-based): chr17:11,651,159, G>A. VCF-style: chr17-11651159-G-A. GRCh37 (hg19) VCF-style: chr17-11554476-G-A.
Other names: c.2188G>A (NM_001372.3); short protein forms D730N.
Identifiers: ClinVar variation 1369124 (VCV001369124.7), dbSNP rs548487073, ClinGen allele CA8395122.